The following is an entry in ClinVar:

ClinVar aggregate classification (germline): Uncertain significance (1 of 4 stars; one submission).

Conditions:
Dilated cardiomyopathy 1JJ (CMD1JJ). Identifiers: Orphanet 154, MedGen C3808935, MONDO:0014095, OMIM 615235.

Allele frequency attached by ClinVar (database versions not stated): gnomAD exomes below 0.00001; TOPMed 0.00001.
gnomAD v4.1: 3 of 1,589,968 alleles (0.00019%); highest among the groups gnomAD compares: East Asian, 0.0067%; no homozygotes.

Submission:

Labcorp Genetics (formerly Invitae), Labcorp
Classification: Uncertain significance for Dilated cardiomyopathy 1JJ. Last evaluated: 2024-10-22. Review status: criteria provided, single submitter. Criteria: Invitae Variant Classification Sherloc (09022015). Collection method: clinical testing. Allele origin: germline.
Comment: This sequence change falls in intron 9 of the LAMA4 gene. It does not directly change the encoded amino acid sequence of the LAMA4 protein. This variant is present in population databases (no rsID available, gnomAD 0.01%). This variant has not been reported in the literature in individuals affected with LAMA4-related conditions. Algorithms developed to predict the effect of sequence changes on RNA splicing suggest that this variant may create or strengthen a splice site. In summary, the available evidence is currently insufficient to determine the role of this variant in disease. Therefore, it has been classified as a Variant of Uncertain Significance.

NM_001105206.3(LAMA4):c.1078-6T>C

Gene: LAMA4 (laminin subunit alpha 4; minus strand). Cytogenetic location: 6q21.
Variant type: single nucleotide variant.
Coding change: c.1078-6T>C on transcript NM_001105206.3 (MANE Select); 6 bases into the intron before coding-DNA position 1078, T replaced by C.
Molecular consequence: intron variant.
Genome position (GRCh38, 1-based): chr6:112,178,238, A>G on the plus strand (T>C on the coding strand, the complement: LAMA4 is on the minus strand). VCF-style: chr6-112178238-A-G. GRCh37 (hg19) VCF-style: chr6-112499440-A-G.
Other names: c.1057-6T>C (NM_002290.5, NM_001105207.3).
Identifiers: ClinVar variation 2869739 (VCV002869739.3), dbSNP rs1440576732, ClinGen allele CA569673474.